The following is an entry in ClinVar:

ClinVar aggregate classification (germline): Benign/Likely benign. Review status: criteria provided, multiple submitters, no conflicts (2 of 4 stars). 13 submissions from 13 submitters: Benign (4); Likely benign (6). 3 of the submissions do not count toward it. Last evaluated 2026-09-01.

Conditions:
Hereditary cancer-predisposing syndrome. Also called: Hereditary neoplastic syndrome; Hereditary Cancer Syndrome; Neoplastic Syndromes, Hereditary; Tumor predisposition. Identifiers: Orphanet 140162, MedGen C0027672, MeSH D009386, MONDO:0015356.
Neuroblastoma, susceptibility to, 3. Also called: ALK-Related Neuroblastic Tumor Susceptibility. Identifiers: Orphanet 635, MedGen C2751681, MONDO:0013083, OMIM 613014.

Allele frequency attached by ClinVar (database versions not stated): TOPMed 0.00111; ESP Exome Variant Server 0.00161; 1000 Genomes Project 30x 0.00016; 1000 Genomes Project 0.00020; ExAC 0.00057; gnomAD exomes 0.00074; gnomAD 0.00099 and 0.00104.
gnomAD v4.1: 2,366 of 1,614,110 alleles (0.15%); highest among the groups gnomAD compares: Non-Finnish European, 0.19%; 5 homozygotes.

Submissions (13):

CeGaT Center for Human Genetics Tuebingen
Classification: Benign. Last evaluated: 2026-09-01. Review status: criteria provided, single submitter. Criteria: CeGaT Center For Human Genetics Tuebingen Variant Classification Criteria Version 2. Collection method: clinical testing. Allele origin: germline. Affected: yes. Observed: 14 variant alleles.
Comment: ALK: BP4, BS1, BS2

Labcorp Genetics (formerly Invitae), Labcorp
Classification: Benign for Neuroblastoma, susceptibility to, 3. Last evaluated: 2026-02-03. Review status: criteria provided, single submitter. Criteria: Invitae Variant Classification Sherloc (09022015). Collection method: clinical testing. Allele origin: germline.

Laboratory of Genetics, Children's Clinical University Hospital Latvia
Classification: Likely benign. Last evaluated: 2025-02-16. Review status: criteria provided, single submitter. Criteria: ACMG Guidelines, 2015. Collection method: clinical testing. Allele origin: germline. Affected: yes.

KCCC/NGS Laboratory, Kuwait Cancer Control Center
Classification: Benign for Neuroblastoma, susceptibility to, 3. Last evaluated: 2025-02-01. Review status: criteria provided, single submitter. Criteria: ACMG Guidelines, 2015. Collection method: clinical testing. Allele origin: germline. Affected: no.

Blueprint Genetics
Classification: Likely benign. Last evaluated: 2024-11-11. Review status: criteria provided, single submitter. Criteria: ACMG Guidelines, 2015. Collection method: clinical testing. Allele origin: germline.

Ambry Genetics
Classification: Likely benign for Hereditary cancer-predisposing syndrome. Last evaluated: 2024-06-25. Review status: criteria provided, single submitter. Criteria: Ambry Variant Classification Scheme 2023. Collection method: clinical testing. Allele origin: germline.

Genetic Services Laboratory, University of Chicago
Classification: Likely benign. Last evaluated: 2021-12-16. Review status: criteria provided, single submitter. Criteria: ACMG Guidelines, 2015. Collection method: clinical testing. Allele origin: germline. Affected: no.

GeneDx
Classification: Likely benign. Last evaluated: 2021-01-20. Review status: criteria provided, single submitter. Criteria: GeneDx Variant Classification Process June 2021. Collection method: clinical testing. Allele origin: germline. Affected: yes.
Comment: This variant is associated with the following publications: (PMID: 27149842)

Sema4
Classification: Benign for Hereditary cancer-predisposing syndrome. Last evaluated: 2020-12-18. Review status: criteria provided, single submitter. Criteria: Sema4 Curation Guidelines. Collection method: curation. Allele origin: germline.

Illumina Laboratory Services, Illumina
Classification: Likely benign for Neuroblastoma, susceptibility to, 3. Last evaluated: 2018-01-12. Review status: criteria provided, single submitter. Criteria: ICSL Variant Classification Criteria 13 December 2019. Collection method: clinical testing. Allele origin: germline.
Comment: This variant was observed in the ICSL laboratory as part of a predisposition screen in an ostensibly healthy population. It had not been previously curated by ICSL or reported in the Human Gene Mutation Database (HGMD: prior to June 1st, 2018), and was therefore a candidate for classification through an automated scoring system. Utilizing variant allele frequency, disease prevalence and penetrance estimates, and inheritance mode, an automated score was calculated to assess if this variant is too frequent to cause the disease. Based on the score and internal cut-off values, a variant classified as likely benign is not then subjected to further curation. The score for this variant resulted in a classification of likely benign for this disease.

Genome Diagnostics Laboratory, Amsterdam University Medical Center
Classification: Likely benign for Neuroblastoma, susceptibility to, 3. Last evaluated: 2016-01-15. Review status: no assertion criteria provided. Criteria: ACGS Guidelines, 2013. Collection method: clinical testing. Allele origin: germline. Affected: yes. Study: VKGL Data-share Consensus. Not counted in ClinVar's aggregate classification.

Clinical Genetics DNA and cytogenetics Diagnostics Lab, Erasmus MC, Erasmus Medical Center
Classification: Likely benign. Review status: no assertion criteria provided. Collection method: clinical testing. Allele origin: germline. Affected: yes. Study: VKGL Data-share Consensus. Not counted in ClinVar's aggregate classification.

Diagnostic Laboratory, Department of Genetics, University Medical Center Groningen
Classification: Likely benign for Neuroblastoma, susceptibility to, 3. Review status: no assertion criteria provided. Collection method: clinical testing. Allele origin: germline. Affected: yes. Study: VKGL Data-share Consensus. Not counted in ClinVar's aggregate classification.

NM_004304.5(ALK):c.4785C>T (p.Ala1595=)

Gene: ALK (ALK receptor tyrosine kinase; minus strand). Cytogenetic location: 2p23.2.
Variant type: single nucleotide variant.
Coding change: c.4785C>T on transcript NM_004304.5 (MANE Select); coding-DNA position 4785, C replaced by T.
Protein change: p.Ala1595=; no amino-acid change (alanine 1595 retained).
Molecular consequence: synonymous variant.
Genome position (GRCh38, 1-based): chr2:29,193,302, G>A on the plus strand (C>T on the coding strand, the complement: ALK is on the minus strand). VCF-style: chr2-29193302-G-A. GRCh37 (hg19) VCF-style: chr2-29416168-G-A.
Other names: c.1581C>T, p.Ala527= (NM_001353765.2).
Identifiers: ClinVar variation 239844 (VCV000239844.100), dbSNP rs76150405, ClinGen allele CA1593484.